The following is an entry in ClinVar:

ClinVar aggregate classification (germline): Likely pathogenic. Review status: criteria provided, multiple submitters, no conflicts (2 of 4 stars). 4 submissions from 4 submitters: Likely pathogenic (2). 2 of the submissions do not count toward it. Last evaluated 2020-04-16.

Conditions:
NEFL-related disorder. Also called: NEFL-related condition.
Charcot-Marie-Tooth disease. Also called: Charcot-Marie-Tooth Hereditary Neuropathy; Charcot-Marie-Tooth Neuropathy. Identifiers: Orphanet 166, MedGen C0007959, MONDO:0015626.

Submissions (4):

Blueprint Genetics
Classification: Likely pathogenic for NEFL-related disorders. Last evaluated: 2020-04-16. Review status: criteria provided, single submitter. Criteria: ACMG Guidelines, 2015. Collection method: clinical testing. Allele origin: germline. Affected: yes. Observed: 1 variant allele.

Athena Diagnostics
Classification: Likely pathogenic. Last evaluated: 2020-01-27. Review status: criteria provided, single submitter. Criteria: Athena Diagnostics Criteria. Collection method: clinical testing. Allele origin: unknown.
Comment: Not found in the gnomAD exomes dataset, and the data is high quality. Found in at least one patient with expected phenotype for this gene. Predicted to have a damaging effect on the protein. Segregation with disease in affected individuals from a single family.

Genesis Genome Database
Classification: Uncertain significance for Charcot-Marie-Tooth disease. Last evaluated: 2019-08-14. Review status: no assertion criteria provided. Collection method: research. Allele origin: germline. Affected: yes. Not counted in ClinVar's aggregate classification.

Northcott Neuroscience Laboratory, ANZAC Research Institute
Classification: Likely pathogenic. Review status: no assertion criteria provided. Collection method: not provided. Allele origin: germline. Not counted in ClinVar's aggregate classification.
Comment: Family J
ClinVar note: Converted during submission from probable-pathogenic to Likely pathogenic.

Literature cited by the submitters: PubMed 25802885 (cited by Athena Diagnostics); PubMed 31788662 (cited by Athena Diagnostics).

NM_006158.5(NEFL):c.794A>G (p.Tyr265Cys)

Gene: NEFL (neurofilament light chain; minus strand). Cytogenetic location: 8p21.2.
Variant type: single nucleotide variant.
Coding change: c.794A>G on transcript NM_006158.5 (MANE Select); coding-DNA position 794, A replaced by G.
Protein change: p.Tyr265Cys; replaces tyrosine 265 with cysteine.
Molecular consequence: missense variant.
Genome position (GRCh38, 1-based): chr8:24,955,722, T>C on the plus strand (A>G on the coding strand, the complement: NEFL is on the minus strand). VCF-style: chr8-24955722-T-C. GRCh37 (hg19) VCF-style: chr8-24813236-T-C.
Other names: short protein forms Y265C.
Identifiers: ClinVar variation 155740 (VCV000155740.5), dbSNP rs587777880, ClinGen allele CA233082.